The following is an entry in ClinVar:

NM_016148.5(SHANK1):c.5732A>G (p.Tyr1911Cys)

Gene: SHANK1 (SH3 and multiple ankyrin repeat domains 1; minus strand). Cytogenetic location: 19q13.33.
Variant type: single nucleotide variant.
Coding change: c.5732A>G on transcript NM_016148.5 (MANE Select); coding-DNA position 5732, A replaced by G.
Protein change: p.Tyr1911Cys; replaces tyrosine 1911 with cysteine.
Molecular consequence: missense variant.
Genome position (GRCh38, 1-based): chr19:50,666,228, T>C on the plus strand (A>G on the coding strand, the complement: SHANK1 is on the minus strand). VCF-style: chr19-50666228-T-C. GRCh37 (hg19) VCF-style: chr19-51169485-T-C.
Other names: short protein forms Y1911C.
Identifiers: ClinVar variation 3038076 (VCV003038076.2), dbSNP rs200413731, ClinGen allele CA9600963.
Genomic context (GRCh38, chr19:50,666,228, plus strand): 5'-TGTTGGCCACCAGCCCCCGCTTACCTCTGCCGCTGCAGGGAGGAGGTCCTCTCGGGGACA[T>C]AGCTGGCTCCCCCGTGGTGGCTGTCTCCGCCTCCCCCACTGCCTCCTCGGGCCCAGGGCA-3'
Protein context (NP_057232.2, residues 1901-1921): GGDSHHGGAS[Tyr1911Cys]VPERTSSLQR

ClinVar aggregate classification (germline): Likely benign (0 of 4 stars; one submission).

Conditions:
SHANK1-related disorder. Also called: SHANK1-related condition.

Allele frequency attached by ClinVar (database versions not stated): ESP Exome Variant Server 0.00008; TOPMed 0.00027; 1000 Genomes Project 30x 0.00031; 1000 Genomes Project 0.00040; ExAC 0.00051; gnomAD 0.00059.

Submission:

PreventionGenetics, part of Exact Sciences
Classification: Likely benign for SHANK1-related condition. Last evaluated: 2019-05-02. Review status: no assertion criteria provided. Collection method: clinical testing. Allele origin: germline.
Comment: This variant is classified as likely benign based on ACMG/AMP sequence variant interpretation guidelines (Richards et al. 2015 PMID: 25741868, with internal and published modifications).